The following is an entry in ClinVar:

ClinVar aggregate classification (germline): Uncertain significance (1 of 4 stars; one submission).

Conditions:
Tuberous sclerosis 2 (TSC2). Identifiers: Orphanet 805, MedGen C1860707, MONDO:0013199, OMIM 613254.

Submission:

Labcorp Genetics (formerly Invitae), Labcorp
Classification: Uncertain significance for Tuberous sclerosis 2. Last evaluated: 2022-06-20. Review status: criteria provided, single submitter. Criteria: Invitae Variant Classification Sherloc (09022015). Collection method: clinical testing. Allele origin: germline.
Comment: This variant has not been reported in the literature in individuals affected with TSC2-related conditions. This variant is not present in population databases (gnomAD no frequency). ClinVar contains an entry for this variant (Variation ID: 1055788). Algorithms developed to predict the effect of missense changes on protein structure and function are either unavailable or do not agree on the potential impact of this missense change (SIFT: "Deleterious"; PolyPhen-2: "Probably Damaging"; Align-GVGD: "Class C15"). Variants that disrupt the consensus splice site are a relatively common cause of aberrant splicing (PMID: 17576681, 9536098). Algorithms developed to predict the effect of sequence changes on RNA splicing suggest that this variant may disrupt the consensus splice site. This sequence change replaces glycine, which is neutral and non-polar, with tryptophan, which is neutral and slightly polar, at codon 1133 of the TSC2 protein (p.Gly1133Trp). This variant also falls at the last nucleotide of exon 29, which is part of the consensus splice site for this exon. In summary, the available evidence is currently insufficient to determine the role of this variant in disease. Therefore, it has been classified as a Variant of Uncertain Significance.

Literature cited by the submitters: PubMed 17576681; PubMed 9536098.

NM_000548.5(TSC2):c.3397G>T (p.Gly1133Trp)

Gene: TSC2 (TSC complex subunit 2; plus strand). Cytogenetic location: 16p13.3.
Variant type: single nucleotide variant.
Coding change: c.3397G>T on transcript NM_000548.5 (MANE Select); coding-DNA position 3397, G replaced by T.
Protein change: p.Gly1133Trp; replaces glycine 1133 with tryptophan.
Molecular consequence: missense variant.
Genome position (GRCh38, 1-based): chr16:2,079,669, G>T. VCF-style: chr16-2079669-G-T. GRCh37 (hg19) VCF-style: chr16-2129670-G-T.
Other names: c.3265G>T, p.Gly1089Trp (NM_001077183.3, NM_001370404.1); c.3397G>T, p.Gly1133Trp (NM_001114382.3); c.3157G>T, p.Gly1053Trp (NM_001318827.2); c.3121G>T, p.Gly1041Trp (NM_001318829.2); c.2665G>T, p.Gly889Trp (NM_001318831.2); c.3298G>T, p.Gly1100Trp (NM_001318832.2); c.3268G>T, p.Gly1090Trp (NM_001363528.2, NM_001370405.1, NM_021055.3); short protein forms G1041W, G1053W, G1089W, G1090W, G1100W, G1133W, G889W.
Identifiers: ClinVar variation 1055788 (VCV001055788.10), dbSNP rs1555511031, ClinGen allele CA394286839.